The following is an entry in ClinVar:

ClinVar aggregate classification (germline): Pathogenic (1 of 4 stars; one submission).

gnomAD v4.1: 1 of 1,613,112 alleles (0.000062%); highest among the groups gnomAD compares: Non-Finnish European, 0.000085%; no homozygotes.

Submission:

Labcorp Genetics (formerly Invitae), Labcorp
Classification: Pathogenic. Last evaluated: 2025-09-03. Review status: criteria provided, single submitter. Criteria: Invitae Variant Classification Sherloc (09022015). Collection method: clinical testing. Allele origin: germline.
Comment: This sequence change creates a premature translational stop signal (p.Glu259*) in the OBSL1 gene. It is expected to result in an absent or disrupted protein product. Loss-of-function variants in OBSL1 are known to be pathogenic (PMID: 19481195, 19877176). This variant is not present in population databases (gnomAD no frequency). This variant has not been reported in the literature in individuals affected with OBSL1-related conditions. For these reasons, this variant has been classified as Pathogenic.

Literature cited by the submitters: PubMed 19481195; PubMed 19877176.

NM_015311.3(OBSL1):c.775G>T (p.Glu259Ter)

Gene: OBSL1 (obscurin like cytoskeletal adaptor 1; minus strand). Cytogenetic location: 2q35.
Variant type: single nucleotide variant.
Coding change: c.775G>T on transcript NM_015311.3 (MANE Select); coding-DNA position 775, G replaced by T.
Protein change: p.Glu259Ter; replaces glutamic acid 259 with a stop codon.
Molecular consequence: nonsense.
Genome position (GRCh38, 1-based): chr2:219,570,458, C>A on the plus strand (G>T on the coding strand, the complement: OBSL1 is on the minus strand). VCF-style: chr2-219570458-C-A. GRCh37 (hg19) VCF-style: chr2-220435180-C-A.
Other names: c.775G>T, p.Glu259Ter (NM_001173408.2, NM_001173431.2); short protein forms E259*.
Identifiers: ClinVar variation 4716021 (VCV004716021.1).